The following is an entry in ClinVar:

NM_000444.6(PHEX):c.2221A>T (p.Arg741Ter)

Genes: PHEX (phosphate regulating endopeptidase X-linked; plus strand), PTCHD1-AS (PTCHD1 and PHEX antisense RNA; minus strand). Cytogenetic location: Xp22.11.
Variant type: single nucleotide variant.
Coding change: c.2221A>T on transcript NM_000444.6 (MANE Select); coding-DNA position 2221, A replaced by T.
Protein change: p.Arg741Ter; replaces arginine 741 with a stop codon.
Molecular consequence: nonsense. On other transcripts: 3 prime UTR variant (1).
Genome position (GRCh38, 1-based): chrX:22,247,924, A>T. VCF-style: chrX-22247924-A-T. GRCh37 (hg19) VCF-style: chrX-22266041-A-T.
Other names: c.*56A>T (NM_001282754.2); short protein forms R741*.
Identifiers: ClinVar variation 1076963 (VCV001076963.10), dbSNP rs1251868441, ClinGen allele CA412575513.
Genomic context (GRCh38, chrX:22,247,924, plus strand): 5'-ATTAGTAACTTTGAAGAATTCCAGAAAGCTTTTAACTGTCCACCCAATTCCACGATGAAC[A>T]GAGGCATGGACTCCTGCCGACTCTGGTAGCTGGGACGCTGGTTTATGGCATCCTGAGACA-3'

ClinVar aggregate classification (germline): Pathogenic. Review status: criteria provided, single submitter (1 of 4 stars). 2 submissions from 2 submitters: Pathogenic (1). 1 of the submissions does not count toward it. Last evaluated 2020-08-20.

Conditions:
Childhood hypophosphatasia. Identifiers: Orphanet 247667, Orphanet 436, MedGen C0220743, MONDO:1010168, OMIM 241510, MONDO:0009428.

Submissions (2):

Labcorp Genetics (formerly Invitae), Labcorp
Classification: Pathogenic. Last evaluated: 2020-08-20. Review status: criteria provided, single submitter. Criteria: Invitae Variant Classification Sherloc (09022015). Collection method: clinical testing. Allele origin: germline.
Comment: This sequence change results in a premature translational stop signal in the PHEX gene (p.Arg741*). While this is not anticipated to result in nonsense mediated decay, it is expected to disrupt the last 9 amino acids of the PHEX protein. This variant is not present in population databases (ExAC no frequency). This variant has not been reported in the literature in individuals with PHEX-related conditions. This variant disrupts the C-terminus of the PHEX protein. Other variant(s) that disrupt this region (p.Arg747*) have been determined to be pathogenic (PMID: 9199930, 9768674). This suggests that variants that disrupt this region of the protein are likely to be causative of disease. For these reasons, this variant has been classified as Pathogenic.

Department of Pediatric Endocrinology, Shriners Hospitals for Children - Mexico City
No classification provided. Condition: Childhood hypophosphatasia. Review status: no classification provided. Collection method: phenotyping only. Allele origin: germline. Inheritance: X-linked dominant inheritance. Affected: yes. Observed: 1 variant allele. Not counted in ClinVar's aggregate classification.

Literature cited by the submitters: PubMed 9199930 (cited by Labcorp Genetics (formerly Invitae), Labcorp); PubMed 9768674 (cited by Labcorp Genetics (formerly Invitae), Labcorp).